The following is an entry in ClinVar:

ClinVar aggregate classification (germline): Uncertain significance (1 of 4 stars; one submission).

Conditions:
Autosomal recessive distal spinal muscular atrophy 1. Also called: NEURONOPATHY, SEVERE INFANTILE AXONAL, WITH RESPIRATORY FAILURE; SEVERE INFANTILE AXONAL NEUROPATHY WITH RESPIRATORY FAILURE; SPINAL MUSCULAR ATROPHY, DIAPHRAGMATIC; NEURONOPATHY, DISTAL HEREDITARY MOTOR, HARDING TYPE VI; NEUROPATHY, DISTAL HEREDITARY MOTOR, AUTOSOMAL RECESSIVE 1; Spinal muscular atrophy with respiratory distress 1. Identifiers: Orphanet 98920, MedGen C1858517, MONDO:0011436, OMIM 604320.
Charcot-Marie-Tooth disease axonal type 2S. Also called: CHARCOT-MARIE-TOOTH DISEASE, AXONAL, AUTOSOMAL RECESSIVE, TYPE 2S; CHARCOT-MARIE-TOOTH NEUROPATHY, TYPE 2S. Identifiers: Orphanet 443073, MedGen C4015349, MONDO:0014511, OMIM 616155.

Allele frequency attached by ClinVar (database versions not stated): ExAC 0.00003; gnomAD 0.00003 and 0.00004.
gnomAD v4.1: 42 of 1,612,004 alleles (0.0026%); highest among the groups gnomAD compares: Non-Finnish European, 0.00025%; no homozygotes.

Submission:

Labcorp Genetics (formerly Invitae), Labcorp
Classification: Uncertain significance for Autosomal recessive distal spinal muscular atrophy 1; Charcot-Marie-Tooth disease axonal type 2S. Last evaluated: 2021-08-29. Review status: criteria provided, single submitter. Criteria: Invitae Variant Classification Sherloc (09022015). Collection method: clinical testing. Allele origin: germline.
Comment: In summary, the available evidence is currently insufficient to determine the role of this variant in disease. Therefore, it has been classified as a Variant of Uncertain Significance. Algorithms developed to predict the effect of missense changes on protein structure and function are either unavailable or do not agree on the potential impact of this missense change (SIFT: "Deleterious"; PolyPhen-2: "Probably Damaging"; Align-GVGD: "Class C0"). This variant has not been reported in the literature in individuals affected with IGHMBP2-related conditions. This variant is present in population databases (rs759609027, ExAC 0.05%). This sequence change replaces glycine with valine at codon 933 of the IGHMBP2 protein (p.Gly933Val). The glycine residue is highly conserved and there is a moderate physicochemical difference between glycine and valine.

NM_002180.3(IGHMBP2):c.2798G>T (p.Gly933Val)

Gene: IGHMBP2 (immunoglobulin mu DNA binding protein 2; plus strand). Cytogenetic location: 11q13.3.
Variant type: single nucleotide variant.
Coding change: c.2798G>T on transcript NM_002180.3 (MANE Select); coding-DNA position 2798, G replaced by T.
Protein change: p.Gly933Val; replaces glycine 933 with valine.
Molecular consequence: missense variant.
Genome position (GRCh38, 1-based): chr11:68,939,547, G>T. VCF-style: chr11-68939547-G-T. GRCh37 (hg19) VCF-style: chr11-68707015-G-T.
Other names: short protein forms G933V.
Identifiers: ClinVar variation 1381463 (VCV001381463.6), dbSNP rs759609027, ClinGen allele CA6154024.